The following is an entry in ClinVar:

NM_015378.4(VPS13D):c.9445A>T (p.Ile3149Leu)

Gene: VPS13D (vacuolar protein sorting 13 homolog D; plus strand). Cytogenetic location: 1p36.22.
Variant type: single nucleotide variant.
Coding change: c.9445A>T on transcript NM_015378.4 (MANE Select); coding-DNA position 9445, A replaced by T.
Protein change: p.Ile3149Leu; replaces isoleucine 3149 with leucine.
Molecular consequence: missense variant.
Genome position (GRCh38, 1-based): chr1:12,353,987, A>T. VCF-style: chr1-12353987-A-T. GRCh37 (hg19) VCF-style: chr1-12414044-A-T.
Other names: c.9370A>T, p.Ile3124Leu (NM_018156.4); short protein forms I3124L, I3149L.
Identifiers: ClinVar variation 3777354 (VCV003777354.1).
Genomic context (GRCh38, chr1:12,353,987, plus strand): 5'-AGTTCTTCATTAAGTCTGATGATTTTTACACCATTTTATCTTCATAGGTTTTGTGTGGCT[A>T]TAAAGAAAGAGAATTATCCAGATTATATGCCCTCAAACATATTTTCTGACAGTGCAAAAC-3'
Protein context (NP_056193.2, residues 3139-3159): KSRFFRFCVA[Ile3149Leu]KKENYPDYMP

ClinVar aggregate classification (germline): Uncertain significance (1 of 4 stars; one submission).

Submission:

GeneDx
Classification: Uncertain significance. Last evaluated: 2024-10-11. Review status: criteria provided, single submitter. Criteria: GeneDx Variant Classification Process June 2021. Collection method: clinical testing. Allele origin: germline. Affected: yes.
Comment: In silico analysis indicates that this missense variant does not alter protein structure/function; Has not been previously published as pathogenic or benign to our knowledge